The following is an entry in ClinVar:

NM_177924.5(ASAH1):c.458-68T>C

Gene: ASAH1 (N-acylsphingosine amidohydrolase 1; minus strand). Cytogenetic location: 8p22.
Variant type: single nucleotide variant.
Coding change: c.458-68T>C on transcript NM_177924.5 (MANE Select); 68 bases into the intron before coding-DNA position 458, T replaced by C.
Molecular consequence: intron variant.
Genome position (GRCh38, 1-based): chr8:18,063,298, A>G on the plus strand (T>C on the coding strand, the complement: ASAH1 is on the minus strand). VCF-style: chr8-18063298-A-G. GRCh37 (hg19) VCF-style: chr8-17920807-A-G.
Other names: c.506-68T>C (NM_004315.6); c.440-68T>C (NM_001127505.3); c.263-68T>C (NM_001363743.2).
Identifiers: ClinVar variation 678180 (VCV000678180.5), dbSNP rs7824644, ClinGen allele CA12716436.

ClinVar aggregate classification (germline): Benign. Review status: criteria provided, multiple submitters, no conflicts (2 of 4 stars). 4 submissions from 3 submitters: Benign (4). Last evaluated 2021-07-14.

Conditions:
Farber lipogranulomatosis (FRBRL). Also called: Farber's lipogranulomatosis; AC DEFICIENCY; ACID CERAMIDASE DEFICIENCY; CERAMIDASE DEFICIENCY; N-LAURYLSPHINGOSINE DEACYLASE DEFICIENCY; Farber's disease. Identifiers: Orphanet 333, MedGen C0268255, MONDO:0009218, OMIM 228000.
Spinal muscular atrophy-progressive myoclonic epilepsy syndrome. Also called: MYOCLONUS, HEREDITARY, WITH PROGRESSIVE DISTAL MUSCULAR ATROPHY; Hereditary myoclonus and progressive distal muscular atrophy; Spinal muscular atrophy with progressive myoclonic epilepsy; Spinal Muscular Atrophy with Progressive Myoclonic Epilepsy (SMA-PME). Identifiers: Orphanet 2590, MedGen C1834569, MONDO:0008045, OMIM 159950.

Allele frequency attached by ClinVar (database versions not stated): 1000 Genomes Project 0.31789; 1000 Genomes Project 30x 0.31964; TOPMed 0.44701; gnomAD 0.47512 and 0.48338; ESP Exome Variant Server 0.50767; gnomAD exomes 0.58097.
gnomAD v4.1: 787,269 of 1,386,120 alleles (57%); highest among the groups gnomAD compares: Non-Finnish European, 64%; 238,838 homozygotes.

Submissions (4):

Genome-Nilou Lab
Classification: Benign for Farber lipogranulomatosis. Last evaluated: 2021-07-14. Review status: criteria provided, single submitter. Criteria: ACMG Guidelines, 2015. Collection method: clinical testing. Allele origin: germline. Affected: no.

Genome-Nilou Lab
Classification: Benign for Spinal muscular atrophy-progressive myoclonic epilepsy syndrome. Last evaluated: 2021-07-14. Review status: criteria provided, single submitter. Criteria: ACMG Guidelines, 2015. Collection method: clinical testing. Allele origin: germline. Affected: no.

GeneDx
Classification: Benign. Last evaluated: 2018-06-19. Review status: criteria provided, single submitter. Criteria: GeneDx Variant Classification (06012015). Collection method: clinical testing. Allele origin: germline. Affected: yes.
Comment: This variant is considered likely benign or benign based on one or more of the following criteria: it is a conservative change, it occurs at a poorly conserved position in the protein, it is predicted to be benign by multiple in silico algorithms, and/or has population frequency not consistent with disease.

Breakthrough Genomics
Classification: Benign. Review status: criteria provided, single submitter. Criteria: ACMG Guidelines, 2015. Collection method: not provided. Allele origin: germline. Inheritance: Autosomal recessive inheritance. Affected: yes.